The following is an entry in ClinVar:

ClinVar aggregate classification (germline): Uncertain significance (1 of 4 stars; one submission).

Submission:

GeneDx
Classification: Uncertain significance. Last evaluated: 2023-06-02. Review status: criteria provided, single submitter. Criteria: GeneDx Variant Classification Process June 2021. Collection method: clinical testing. Allele origin: germline. Affected: yes.
Comment: Not observed at significant frequency in large population cohorts (gnomAD); In silico analysis supports that this missense variant does not alter protein structure/function; Has not been previously published as pathogenic or benign to our knowledge

NM_032119.4(ADGRV1):c.4289T>C (p.Ile1430Thr)

Gene: ADGRV1 (adhesion G protein-coupled receptor V1; plus strand). Cytogenetic location: 5q14.3.
Variant type: single nucleotide variant.
Coding change: c.4289T>C on transcript NM_032119.4 (MANE Select); coding-DNA position 4289, T replaced by C.
Protein change: p.Ile1430Thr; replaces isoleucine 1430 with threonine.
Molecular consequence: missense variant. On other transcripts: non-coding transcript variant (1).
Genome position (GRCh38, 1-based): chr5:90,653,863, T>C. VCF-style: chr5-90653863-T-C. GRCh37 (hg19) VCF-style: chr5-89949680-T-C.
Other names: short protein forms I1430T.
Identifiers: ClinVar variation 3362125 (VCV003362125.1).